The following is an entry in ClinVar:

NM_001267550.2(TTN):c.13817_13818dup (p.Met4607fs)

Gene: TTN (titin; minus strand). Cytogenetic location: 2q31.2.
Variant type: Duplication.
Coding change: c.13817_13818dup on transcript NM_001267550.2 (MANE Select); coding-DNA positions 13817 to 13818, 2 bases duplicated (CC; older notation c.13817_13818dupCC).
Protein change: p.Met4607fs; shifts the reading frame from methionine 4607.
Molecular consequence: frameshift variant. On other transcripts: intron variant (1).
Genome position (GRCh38, 1-based): chr2:178,739,415-178,739,416, GG duplicated on the plus strand (CC on the coding strand, the reverse complement: TTN is on the minus strand); duplicating any 2 consecutive bases within chr2:178,739,415-178,739,418 gives the same sequence; the c. name uses the placement nearest the transcript's 3' end. VCF-style (leftmost placement, unchanged base first): chr2-178739414-T-TGG. GRCh37 (hg19) VCF-style: chr2-179604141-T-TGG.
Other names: c.12866_12867dup, p.Met4290fs (NM_001256850.1); c.12728_12729dup, p.Met4244fs (NM_003319.4); c.13103_13104dup, p.Met4369fs (NM_133432.3); c.13304_13305dup, p.Met4436fs (NM_133437.4); c.10361-1056_10361-1055dup (NM_133378.4); short protein forms M4369fs, M4244fs, M4436fs, M4607fs, M4290fs.
Identifiers: ClinVar variation 2954070 (VCV002954070.3), dbSNP rs2530603248, ClinGen allele CA2740096271.

ClinVar aggregate classification (germline): Likely pathogenic (1 of 4 stars; one submission).

Conditions:
Autosomal recessive limb-girdle muscular dystrophy type 2J (LGMDR10). Also called: Limb-girdle muscular dystrophy, type 2J; MUSCULAR DYSTROPHY, LIMB-GIRDLE, AUTOSOMAL RECESSIVE 10. Identifiers: Orphanet 140922, MedGen C1837342, MONDO:0012127, OMIM 608807.
Dilated cardiomyopathy 1G (CMD1G). Identifiers: Orphanet 154, MedGen C1858763, MONDO:0011400, OMIM 604145.

Submission:

Labcorp Genetics (formerly Invitae), Labcorp
Classification: Likely pathogenic for Dilated cardiomyopathy 1G; Autosomal recessive limb-girdle muscular dystrophy type 2J. Last evaluated: 2023-11-27. Review status: criteria provided, single submitter. Criteria: Invitae Variant Classification Sherloc (09022015). Collection method: clinical testing. Allele origin: germline.
Comment: This sequence change creates a premature translational stop signal (p.Met4607Profs*2) in the TTN gene. While this is not anticipated to result in nonsense mediated decay, it is expected to create a truncated TTN protein. This variant is not present in population databases (gnomAD no frequency). This variant has not been reported in the literature in individuals affected with TTN-related conditions. This variant is located in the I band of TTN (PMID: 25589632). Truncating variants in this region have been reported in individuals affected with autosomal recessive centronuclear myopathy (PMID: 23975875). Truncating variants in this region have also been identified in individuals affected with autosomal dominant dilated cardiomyopathy and/or cardio-related conditions (PMID: 27869827, 32964742). In summary, the currently available evidence indicates that the variant is pathogenic, but additional data are needed to prove that conclusively. Therefore, this variant has been classified as Likely Pathogenic.

Literature cited by the submitters: PubMed 25589632; PubMed 23975875; PubMed 27869827; PubMed 32964742.